The following is an entry in ClinVar:

NM_032119.4(ADGRV1):c.3151_3152del (p.Asp1051fs)

Gene: ADGRV1 (adhesion G protein-coupled receptor V1; plus strand). Cytogenetic location: 5q14.3.
Variant type: Microsatellite.
Coding change: c.3151_3152del on transcript NM_032119.4 (MANE Select); coding-DNA positions 3151 to 3152, 2 bases deleted (GA; older notation c.3151_3152delGA).
Protein change: p.Asp1051fs; shifts the reading frame from aspartic acid 1051.
Molecular consequence: frameshift variant. On other transcripts: non-coding transcript variant (1).
Genome position (GRCh38, 1-based): chr5:90,647,626-90,647,627, GA deleted; deleting any 2 consecutive bases within chr5:90,647,617-90,647,627 gives the same sequence; the c. name uses the placement nearest the transcript's 3' end. VCF-style (leftmost placement, unchanged base first): chr5-90647616-AAG-A. GRCh37 (hg19) VCF-style: chr5-89943433-AAG-A.
Other names: short protein forms D1051fs.
Identifiers: ClinVar variation 1878989 (VCV001878989.1), dbSNP rs2532030864, ClinGen allele CA645567484.

ClinVar aggregate classification (germline): Likely pathogenic (1 of 4 stars; one submission).

Submission:

GeneDx
Classification: Likely pathogenic. Last evaluated: 2022-07-12. Review status: criteria provided, single submitter. Criteria: GeneDx Variant Classification Process June 2021. Collection method: clinical testing. Allele origin: germline. Affected: yes.
Comment: Frameshift variant predicted to result in protein truncation or nonsense mediated decay in a gene for which loss of function is a known mechanism of disease; Not observed at significant frequency in large population cohorts (gnomAD); Has not been previously published as pathogenic or benign to our knowledge